The following is an entry in ClinVar:

ClinVar aggregate classification (germline): Conflicting classifications of pathogenicity. Review status: criteria provided, conflicting classifications (1 of 4 stars). 2 submissions from 2 submitters: Uncertain significance (1); Likely benign (1). Last evaluated 2026-08-12.

Conditions:
PKD1-related disorder. Also called: PKD1-related condition.

Submissions (2):

PreventionGenetics, part of Exact Sciences
Classification: Likely benign for PKD1-related condition. Last evaluated: 2026-08-12. Review status: criteria provided, single submitter. Criteria: ACMG Guidelines, 2015. Collection method: clinical testing. Allele origin: germline.
Comment: This variant is classified as likely benign based on ACMG/AMP sequence variant interpretation guidelines (Richards et al. 2015 PMID: 25741868, with internal and published modifications).

Women's Health and Genetics/Laboratory Corporation of America, LabCorp
Classification: Uncertain significance. Last evaluated: 2026-04-17. Review status: criteria provided, single submitter. Criteria: LabCorp Variant Classification Summary - May 2015. Collection method: clinical testing. Allele origin: germline.
Comment: Variant summary: PKD1 c.11485G>C (p.Glu3829Gln) results in a conservative amino acid change in the encoded protein sequence. Algorithms developed to predict the effect of missense changes on protein structure and function are either unavailable or do not agree on the potential impact of this missense change. The variant allele was found at a frequency of 3.8e-05 in 235552 control chromosomes. The available data on variant occurrences in the general population are insufficient to allow any conclusion about variant significance. To our knowledge, no occurrence of c.11485G>C in individuals affected with PKD1-related conditions and no experimental evidence demonstrating its impact on protein function have been reported. No submitters have cited clinical-significance assessments for this variant to ClinVar. Based on the evidence outlined above, the variant was classified as uncertain significance.

NM_001009944.3(PKD1):c.11485G>C (p.Glu3829Gln)

Genes: PKD1 (polycystin 1, transient receptor potential channel interacting; minus strand), PKD1-AS1 (PKD1 antisense RNA 1; plus strand). Cytogenetic location: 16p13.3.
Variant type: single nucleotide variant.
Coding change: c.11485G>C on transcript NM_001009944.3 (MANE Select); coding-DNA position 11485, G replaced by C.
Protein change: p.Glu3829Gln; replaces glutamic acid 3829 with glutamine.
Molecular consequence: missense variant.
Genome position (GRCh38, 1-based): chr16:2,091,833, C>G on the plus strand (G>C on the coding strand, the complement: PKD1 is on the minus strand). VCF-style: chr16-2091833-C-G. GRCh37 (hg19) VCF-style: chr16-2141834-C-G.
Other names: c.11482G>C, p.Glu3828Gln (NM_000296.4); short protein forms E3828Q, E3829Q.
Identifiers: ClinVar variation 4848435 (VCV004848435.2).